The following is an entry in ClinVar:

NM_001267550.2(TTN):c.99344G>A (p.Gly33115Asp)

Genes: TTN-AS1 (TTN antisense RNA 1; plus strand), TTN (titin; minus strand). Cytogenetic location: 2q31.2.
Variant type: single nucleotide variant.
Coding change: c.99344G>A on transcript NM_001267550.2 (MANE Select); coding-DNA position 99344, G replaced by A.
Protein change: p.Gly33115Asp; replaces glycine 33115 with aspartic acid.
Molecular consequence: missense variant.
Genome position (GRCh38, 1-based): chr2:178,537,863, C>T on the plus strand (G>A on the coding strand, the complement: TTN is on the minus strand). VCF-style: chr2-178537863-C-T. GRCh37 (hg19) VCF-style: chr2-179402590-C-T.
Other names: c.94421G>A, p.Gly31474Asp (NM_001256850.1); c.72149G>A, p.Gly24050Asp (NM_003319.4); c.91640G>A, p.Gly30547Asp (NM_133378.4); c.72524G>A, p.Gly24175Asp (NM_133432.3); c.72725G>A, p.Gly24242Asp (NM_133437.4); c.99344G>A (NM_001267550.1); short protein forms G33115D, G24175D, G24242D, G24050D, G30547D, G31474D.
Identifiers: ClinVar variation 404990 (VCV000404990.4), dbSNP rs879247634, ClinGen allele CA16610292.
Genomic context (GRCh38, chr2:178,537,863, plus strand): 5'-TACCATTTAATGTCAGGAAGAGGCCTTCCAACAATCTGGCATGAGAGTTGAGCAGCTTCA[C>T]CCAATTTTGTGGTAACATCCTTCATTTCTTTGCGTATTCCTGGGGCCTCTCCAGCTGAAC-3'
Protein context (NP_001254479.2, residues 33105-33125): KEMKDVTTKL[Gly33115Asp]EAAQLSCQIV

ClinVar aggregate classification (germline): Uncertain significance. Review status: criteria provided, multiple submitters, no conflicts (2 of 4 stars). 2 submissions from 2 submitters: Uncertain significance (2). Last evaluated 2024-08-30.

Conditions:
Dilated cardiomyopathy 1G (CMD1G). Identifiers: Orphanet 154, MedGen C1858763, MONDO:0011400, OMIM 604145.
Autosomal recessive limb-girdle muscular dystrophy type 2J (LGMDR10). Also called: Limb-girdle muscular dystrophy, type 2J; MUSCULAR DYSTROPHY, LIMB-GIRDLE, AUTOSOMAL RECESSIVE 10. Identifiers: Orphanet 140922, MedGen C1837342, MONDO:0012127, OMIM 608807.

Allele frequency attached by ClinVar (database versions not stated): gnomAD exomes below 0.00001; gnomAD 0.00003 and 0.00004; TOPMed 0.00005.
gnomAD v4.1: 6 of 1,613,304 alleles (0.00037%); highest among the groups gnomAD compares: African/African-American, 0.0053%; no homozygotes.

Submissions (2):

GeneDx
Classification: Uncertain significance. Last evaluated: 2024-08-30. Review status: criteria provided, single submitter. Criteria: GeneDx Variant Classification Process June 2021. Collection method: clinical testing. Allele origin: germline. Affected: yes.
Comment: Not observed at significant frequency in large population cohorts (gnomAD); Missense variant in a gene in which most reported pathogenic variants are truncating/loss of function; Has not been previously published as pathogenic or benign to our knowledge

Labcorp Genetics (formerly Invitae), Labcorp
Classification: Uncertain significance for Dilated cardiomyopathy 1G; Autosomal recessive limb-girdle muscular dystrophy type 2J. Last evaluated: 2017-03-10. Review status: criteria provided, single submitter. Criteria: Invitae Variant Classification Sherloc (09022015). Collection method: clinical testing. Allele origin: germline.